The following is an entry in ClinVar:

NM_213618.2(DENND2B):c.619C>T (p.Pro207Ser)

Gene: DENND2B (DENN domain containing 2B; minus strand). Cytogenetic location: 11p15.4.
Variant type: single nucleotide variant.
Coding change: c.619C>T on transcript NM_213618.2 (MANE Select); coding-DNA position 619, C replaced by T.
Protein change: p.Pro207Ser; replaces proline 207 with serine.
Molecular consequence: missense variant. On other transcripts: non-coding transcript variant (6), intron variant (8).
Genome position (GRCh38, 1-based): chr11:8,730,671, G>A on the plus strand (C>T on the coding strand, the complement: DENND2B is on the minus strand). VCF-style: chr11-8730671-G-A. GRCh37 (hg19) VCF-style: chr11-8752218-G-A.
Other names: c.619C>T, p.Pro207Ser (NM_001376495.1, NM_001376496.1, NM_001376497.1 and 2 more transcripts); c.79C>T, p.Pro27Ser (NM_001376499.1); c.81-4462C>T (NM_139157.3, NM_001376504.1, NM_001376503.1 and 2 more transcripts); c.-107-12779C>T (NM_001376505.1); c.-244-4462C>T (NM_001376506.1); c.-12-51C>T (NM_001376500.1); short protein forms P207S, P27S.
Identifiers: ClinVar variation 4891312 (VCV004891312.1).

ClinVar aggregate classification (germline): Uncertain significance (1 of 4 stars; one submission).

Submission:

GeneDx
Classification: Uncertain significance. Last evaluated: 2026-02-10. Review status: criteria provided, single submitter. Criteria: GeneDx Variant Classification Process June 2021. Collection method: clinical testing. Allele origin: germline.
Comment: Not observed at significant frequency in large population cohorts (gnomAD); In silico analysis suggests that this missense variant does not alter protein structure/function; Has not been previously published as pathogenic or benign to our knowledge